The following is an entry in ClinVar:

ClinVar aggregate classification (germline): Uncertain significance (1 of 4 stars; one submission).

Conditions:
Cystic fibrosis (CF). Also called: MUCOVISCIDOSIS. Identifiers: Orphanet 586, MedGen C0010674, MONDO:0009061, OMIM 219700. Disease mechanism: loss of function.

Submission:

Ambry Genetics
Classification: Uncertain significance for Cystic fibrosis. Last evaluated: 2024-12-20. Review status: criteria provided, single submitter. Criteria: Ambry Variant Classification Scheme 2023. Collection method: clinical testing. Allele origin: germline.
Comment: The p.S1426T variant (also known as c.4276T>A), located in coding exon 27 of the CFTR gene, results from a T to A substitution at nucleotide position 4276. The serine at codon 1426 is replaced by threonine, an amino acid with similar properties. This amino acid position is conserved. In addition, the in silico prediction for this alteration is inconclusive. Based on the available evidence, the clinical significance of this variant remains unclear.

NM_000492.4(CFTR):c.4276T>A (p.Ser1426Thr)

Genes: CFTR (CF transmembrane conductance regulator; plus strand), LOC111674477 (CFTR intron 23 enhancer; plus strand). Cytogenetic location: 7q31.2.
Variant type: single nucleotide variant.
Coding change: c.4276T>A on transcript NM_000492.4 (MANE Select); coding-DNA position 4276, T replaced by A.
Protein change: p.Ser1426Thr; replaces serine 1426 with threonine.
Molecular consequence: missense variant.
Genome position (GRCh38, 1-based): chr7:117,666,941, T>A. VCF-style: chr7-117666941-T-A. GRCh37 (hg19) VCF-style: chr7-117306995-T-A.
Other names: short protein forms S1426T.
Identifiers: ClinVar variation 3832556 (VCV003832556.1).